The following is an entry in ClinVar:

ClinVar aggregate classification (germline): Uncertain significance (1 of 4 stars; one submission).

Submission:

Labcorp Genetics (formerly Invitae), Labcorp
Classification: Uncertain significance. Last evaluated: 2025-01-11. Review status: criteria provided, single submitter. Criteria: Invitae Variant Classification Sherloc (09022015). Collection method: clinical testing. Allele origin: germline.
Comment: This sequence change replaces lysine, which is basic and polar, with asparagine, which is neutral and polar, at codon 230 of the LYN protein (p.Lys230Asn). This variant is not present in population databases (gnomAD no frequency). This variant has not been reported in the literature in individuals affected with LYN-related conditions. An algorithm developed to predict the effect of missense changes on protein structure and function (PolyPhen-2) suggests that this variant is likely to be tolerated. In summary, the available evidence is currently insufficient to determine the role of this variant in disease. Therefore, it has been classified as a Variant of Uncertain Significance.

NM_002350.4(LYN):c.690G>C (p.Lys230Asn)

Gene: LYN (LYN proto-oncogene, Src family tyrosine kinase; plus strand). Cytogenetic location: 8q12.1.
Variant type: single nucleotide variant.
Coding change: c.690G>C on transcript NM_002350.4 (MANE Select); coding-DNA position 690, G replaced by C.
Protein change: p.Lys230Asn; replaces lysine 230 with asparagine.
Molecular consequence: missense variant.
Genome position (GRCh38, 1-based): chr8:55,953,884, G>C. VCF-style: chr8-55953884-G-C. GRCh37 (hg19) VCF-style: chr8-56866443-G-C.
Other names: c.627G>C, p.Lys209Asn (NM_001111097.3); short protein forms K209N, K230N.
Identifiers: ClinVar variation 3727208 (VCV003727208.2).